The following is an entry in ClinVar:

ClinVar aggregate classification (germline): Uncertain significance. Review status: criteria provided, multiple submitters, no conflicts (2 of 4 stars). 2 submissions from 2 submitters: Uncertain significance (2). Last evaluated 2022-08-09.

Conditions:
DK1-congenital disorder of glycosylation. Also called: CONGENITAL DISORDER OF GLYCOSYLATION, TYPE Im; CDG Im; DK1 DEFICIENCY; DOLICHOL KINASE DEFICIENCY; DOLK-congenital disorder of glycosylation; Carbohydrate deficient glycoprotein syndrome type 1m. Identifiers: Orphanet 91131, MedGen C1835849, MONDO:0012556, OMIM 610768.

Allele frequency attached by ClinVar (database versions not stated): gnomAD exomes below 0.00001; TOPMed below 0.00001; gnomAD 0.00001.
gnomAD v4.1: 15 of 1,614,000 alleles (0.00093%); highest among the groups gnomAD compares: Middle Eastern, 0.016%; no homozygotes.

Submissions (2):

Labcorp Genetics (formerly Invitae), Labcorp
Classification: Uncertain significance for DK1-congenital disorder of glycosylation. Last evaluated: 2022-08-09. Review status: criteria provided, single submitter. Criteria: Invitae Variant Classification Sherloc (09022015). Collection method: clinical testing. Allele origin: germline.
Comment: This sequence change replaces leucine, which is neutral and non-polar, with methionine, which is neutral and non-polar, at codon 445 of the DOLK protein (p.Leu445Met). This variant is present in population databases (no rsID available, gnomAD 0.002%). This variant has not been reported in the literature in individuals affected with DOLK-related conditions. ClinVar contains an entry for this variant (Variation ID: 532847). Algorithms developed to predict the effect of missense changes on protein structure and function are either unavailable or do not agree on the potential impact of this missense change (SIFT: "Tolerated"; PolyPhen-2: "Probably Damaging"; Align-GVGD: "Class C0"). In summary, the available evidence is currently insufficient to determine the role of this variant in disease. Therefore, it has been classified as a Variant of Uncertain Significance.

GeneDx
Classification: Uncertain significance. Last evaluated: 2021-06-17. Review status: criteria provided, single submitter. Criteria: GeneDx Variant Classification Process June 2021. Collection method: clinical testing. Allele origin: germline. Affected: yes.
Comment: Not observed at significant frequency in large population cohorts (Lek et al., 2016); In silico analysis supports that this missense variant does not alter protein structure/function; Has not been previously published as pathogenic or benign to our knowledge; This variant is associated with the following publications: (PMID: 27535533)

NM_014908.4(DOLK):c.1333C>A (p.Leu445Met)

Gene: DOLK (dolichol kinase; minus strand). Cytogenetic location: 9q34.11.
Variant type: single nucleotide variant.
Coding change: c.1333C>A on transcript NM_014908.4 (MANE Select); coding-DNA position 1333, C replaced by A.
Protein change: p.Leu445Met; replaces leucine 445 with methionine.
Molecular consequence: missense variant.
Genome position (GRCh38, 1-based): chr9:128,945,971, G>T on the plus strand (C>A on the coding strand, the complement: DOLK is on the minus strand). VCF-style: chr9-128945971-G-T. GRCh37 (hg19) VCF-style: chr9-131708250-G-T.
Other names: short protein forms L445M.
Identifiers: ClinVar variation 532847 (VCV000532847.7), dbSNP rs866088033, ClinGen allele CA200444408.